The following is an entry in ClinVar:

ClinVar aggregate classification (germline): Uncertain significance. Review status: criteria provided, multiple submitters, no conflicts (2 of 4 stars). 2 submissions from 2 submitters: Uncertain significance (2). Last evaluated 2025-11-26.

Allele frequency attached by ClinVar (database versions not stated): gnomAD exomes 0.00001; gnomAD 0.00002; TOPMed 0.00003.
gnomAD v4.1: 17 of 1,614,064 alleles (0.0011%); highest among the groups gnomAD compares: Admixed American, 0.0017%; no homozygotes.

Submissions (2):

Ambry Genetics
Classification: Uncertain significance. Last evaluated: 2025-11-26. Review status: criteria provided, single submitter. Criteria: Ambry Variant Classification Scheme 2023. Collection method: clinical testing. Allele origin: germline.

Labcorp Genetics (formerly Invitae), Labcorp
Classification: Uncertain significance. Last evaluated: 2023-03-19. Review status: criteria provided, single submitter. Criteria: Invitae Variant Classification Sherloc (09022015). Collection method: clinical testing. Allele origin: germline.
Comment: This sequence change replaces asparagine, which is neutral and polar, with isoleucine, which is neutral and non-polar, at codon 143 of the RFWD3 protein (p.Asn143Ile). This variant is present in population databases (no rsID available, gnomAD 0.003%). This variant has not been reported in the literature in individuals affected with RFWD3-related conditions. An algorithm developed to predict the effect of missense changes on protein structure and function (PolyPhen-2) suggests that this variant is likely to be tolerated. In summary, the available evidence is currently insufficient to determine the role of this variant in disease. Therefore, it has been classified as a Variant of Uncertain Significance.

NM_018124.4(RFWD3):c.428A>T (p.Asn143Ile)

Gene: RFWD3 (ring finger and WD repeat domain 3; minus strand). Cytogenetic location: 16q23.1.
Variant type: single nucleotide variant.
Coding change: c.428A>T on transcript NM_018124.4 (MANE Select); coding-DNA position 428, A replaced by T.
Protein change: p.Asn143Ile; replaces asparagine 143 with isoleucine.
Molecular consequence: missense variant. On other transcripts: 5 prime UTR variant (4), intron variant (1).
Genome position (GRCh38, 1-based): chr16:74,661,022, T>A on the plus strand (A>T on the coding strand, the complement: RFWD3 is on the minus strand). VCF-style: chr16-74661022-T-A. GRCh37 (hg19) VCF-style: chr16-74694920-T-A.
Other names: c.428A>T (NM_018124.3); c.428A>T, p.Asn143Ile (NM_001370534.1, NM_001370535.1, NM_001370536.1); c.-581A>T (NM_001370537.1); c.-204A>T (NM_001370539.1, NM_001370541.1); c.-458A>T (NM_001370542.1); c.-336A>T (NM_001370543.1); c.-317+3602A>T (NM_001370540.1); short protein forms N143I.
Identifiers: ClinVar variation 2781150 (VCV002781150.4), dbSNP rs1011466364, ClinGen allele CA283770600.